The following is an entry in ClinVar:

ClinVar aggregate classification (germline): Uncertain significance (1 of 4 stars; one submission).

Conditions:
Inborn genetic diseases. Identifiers: MedGen C0950123, MeSH D030342.

gnomAD v4.1: 9 of 1,613,974 alleles (0.00056%); highest among the groups gnomAD compares: Non-Finnish European, 0.00076%; no homozygotes.

Submission:

Ambry Genetics
Classification: Uncertain significance for Inborn genetic diseases. Last evaluated: 2024-11-24. Review status: criteria provided, single submitter. Criteria: Ambry Variant Classification Scheme 2023. Collection method: clinical testing. Allele origin: germline.
Comment: The p.K441E variant (also known as c.1321A>G), located in coding exon 13 of the DDX41 gene, results from an A to G substitution at nucleotide position 1321. The lysine at codon 441 is replaced by glutamic acid, an amino acid with similar properties. This amino acid position is conserved. In addition, this alteration is predicted to be deleterious by in silico analysis. Based on the available evidence, the clinical significance of this variant remains unclear.

NM_016222.4(DDX41):c.1321A>G (p.Lys441Glu)

Gene: DDX41 (DEAD-box helicase 41; minus strand). Cytogenetic location: 5q35.3.
Variant type: single nucleotide variant.
Coding change: c.1321A>G on transcript NM_016222.4 (MANE Select); coding-DNA position 1321, A replaced by G.
Protein change: p.Lys441Glu; replaces lysine 441 with glutamic acid.
Molecular consequence: missense variant.
Genome position (GRCh38, 1-based): chr5:177,512,858, T>C on the plus strand (A>G on the coding strand, the complement: DDX41 is on the minus strand). VCF-style: chr5-177512858-T-C. GRCh37 (hg19) VCF-style: chr5-176939859-T-C.
Other names: c.943A>G, p.Lys315Glu (NM_001321732.2, NM_001321830.2); short protein forms K441E, K315E.
Identifiers: ClinVar variation 3500529 (VCV003500529.1).